The following is an entry in ClinVar:

NM_002474.3(MYH11):c.4707G>A (p.Met1569Ile)

Genes: MYH11 (myosin heavy chain 11; minus strand), NDE1 (nudE neurodevelopment protein 1; plus strand). Cytogenetic location: 16p13.11.
Variant type: single nucleotide variant.
Coding change: c.4707G>A on transcript NM_002474.3 (MANE Select); coding-DNA position 4707, G replaced by A.
Protein change: p.Met1569Ile; replaces methionine 1569 with isoleucine.
Molecular consequence: missense variant. On other transcripts: intron variant (2).
Genome position (GRCh38, 1-based): chr16:15,720,923, C>T on the plus strand (G>A on the coding strand, the complement: MYH11 is on the minus strand). VCF-style: chr16-15720923-C-T. GRCh37 (hg19) VCF-style: chr16-15814780-C-T.
Other names: c.4728G>A, p.Met1576Ile (NM_001040113.2, NM_001040114.2); c.4707G>A, p.Met1569Ile (NM_022844.3); c.948-3268C>T (NM_001143979.2, NM_017668.3); short protein forms M1576I, M1569I.
Identifiers: ClinVar variation 919263 (VCV000919263.4), dbSNP rs2040437613, ClinGen allele CA394853857.

ClinVar aggregate classification (germline): Uncertain significance (1 of 4 stars; one submission).

Conditions:
Familial thoracic aortic aneurysm and aortic dissection (TAAD). Also called: Thoracic aortic aneurysms and dissections. Identifiers: Orphanet 91387, MedGen C4707243, MONDO:0019625.

Submission:

Color Diagnostics, LLC DBA Color Health
Classification: Uncertain significance for Familial thoracic aortic aneurysm and aortic dissection. Last evaluated: 2024-03-07. Review status: criteria provided, single submitter. Criteria: ACMG Guidelines, 2015. Collection method: clinical testing. Allele origin: germline.
Comment: This missense variant replaces methionine with isoleucine at codon 1576 of the MYH11 protein. Computational prediction is inconclusive regarding the impact of this variant on protein structure and function (internally defined REVEL score threshold 0.5 < inconclusive < 0.7, PMID: 27666373). Splice site prediction tools suggest that this variant may not impact RNA splicing. To our knowledge, functional studies have not been reported for this variant. This variant has not been reported in individuals affected with cardiovascular disorders in the literature. This variant has not been identified in the general population by the Genome Aggregation Database (gnomAD). The available evidence is insufficient to determine the role of this variant in disease conclusively. Therefore, this variant is classified as a Variant of Uncertain Significance.